The following is an entry in ClinVar:

ClinVar aggregate classification (germline): Pathogenic (1 of 4 stars; one submission).

Conditions:
Fanconi anemia complementation group O. Also called: RAD51C-Related Fanconi Anemia. Identifiers: Orphanet 84, MedGen C3150653, MONDO:0013248, OMIM 613390.

Submission:

Labcorp Genetics (formerly Invitae), Labcorp
Classification: Pathogenic for Fanconi anemia complementation group O. Last evaluated: 2025-03-19. Review status: criteria provided, single submitter. Criteria: Invitae Variant Classification Sherloc (09022015). Collection method: clinical testing. Allele origin: germline.
Comment: This sequence change creates a premature translational stop signal (p.Lys188Argfs*51) in the RAD51C gene. It is expected to result in an absent or disrupted protein product. Loss-of-function variants in RAD51C are known to be pathogenic (PMID: 20400964, 21990120, 24800917, 29278735). This variant is not present in population databases (gnomAD no frequency). This variant has not been reported in the literature in individuals affected with RAD51C-related conditions. For these reasons, this variant has been classified as Pathogenic.

Literature cited by the submitters: PubMed 20400964; PubMed 21990120; PubMed 24800917; PubMed 29278735.

NM_058216.3(RAD51C):c.563del (p.Lys188fs)

Gene: RAD51C (RAD51 paralog C; plus strand). Cytogenetic location: 17q22.
Variant type: Deletion.
Coding change: c.563del on transcript NM_058216.3 (MANE Select); coding-DNA position 563, one base deleted (A; older notation c.563delA).
Protein change: p.Lys188fs; shifts the reading frame from lysine 188.
Molecular consequence: frameshift variant.
Genome position (GRCh38, 1-based): chr17:58,696,851, A deleted; the last of 2 consecutive A bases (chr17:58,696,850-58,696,851); deleting either gives the same sequence. VCF-style (leftmost placement, unchanged base first): chr17-58696849-CA-C. GRCh37 (hg19) VCF-style: chr17-56774210-CA-C.
Other names: short protein forms K188fs.
Identifiers: ClinVar variation 4715501 (VCV004715501.1).
Genomic context (GRCh38, chr17:58,696,849, plus strand): 5'-TAGAGTGGTAGACCTTGCTACTGCCTGCATTCAGCACCTTCAGCTTATAGCAGAAAAACA[CA>C]AGGGAGAGGGTAAGTTAGTAAATGATCTTCTTTTTTTCTGTATTAATAAAAGTAATTTGC-3'